The following is an entry in ClinVar:

ClinVar aggregate classification (germline): Uncertain significance (1 of 4 stars; one submission).

Submission:

Labcorp Genetics (formerly Invitae), Labcorp
Classification: Uncertain significance. Last evaluated: 2022-12-02. Review status: criteria provided, single submitter. Criteria: Invitae Variant Classification Sherloc (09022015). Collection method: clinical testing. Allele origin: germline.
Comment: This variant has not been reported in the literature in individuals affected with FOXRED1-related conditions. In summary, the available evidence is currently insufficient to determine the role of this variant in disease. Therefore, it has been classified as a Variant of Uncertain Significance. Variants that disrupt the consensus splice site are a relatively common cause of aberrant splicing (PMID: 17576681, 9536098). Algorithms developed to predict the effect of sequence changes on RNA splicing suggest that this variant may disrupt the consensus splice site. ClinVar contains an entry for this variant (Variation ID: 1443293). This variant is not present in population databases (gnomAD no frequency). This sequence change falls in intron 6 of the FOXRED1 gene. It does not directly change the encoded amino acid sequence of the FOXRED1 protein. It affects a nucleotide within the consensus splice site.

Literature cited by the submitters: PubMed 17576681; PubMed 9536098.

NM_017547.4(FOXRED1):c.733+5G>C

Gene: FOXRED1 (FAD dependent oxidoreductase domain containing 1; plus strand). Cytogenetic location: 11q24.2.
Variant type: single nucleotide variant.
Coding change: c.733+5G>C on transcript NM_017547.4 (MANE Select); 5 bases into the intron after coding-DNA position 733, G replaced by C.
Molecular consequence: intron variant.
Genome position (GRCh38, 1-based): chr11:126,275,433, G>C. VCF-style: chr11-126275433-G-C. GRCh37 (hg19) VCF-style: chr11-126145328-G-C.
Identifiers: ClinVar variation 1443293 (VCV001443293.6), dbSNP rs2135264620, ClinGen allele CA2573147025.
Genomic context (GRCh38, chr11:126,275,433, plus strand): 5'-GCTTCGGCGAAAGGTCCAGTCCTTGGGAGTCCTTTTCTGCCAGGGAGAGGTGACACGTGA[G>C]TCTGAGCTTGTTTCCTCTAGCAACCGGGGCATAGGCCTAGACTAGGTCTTATCTTCTCAC-3'